The following is an entry in ClinVar:

NM_018192.4(P3H2):c.1427G>A (p.Cys476Tyr)

Gene: P3H2 (prolyl 3-hydroxylase 2; minus strand). Cytogenetic location: 3q28.
Variant type: single nucleotide variant.
Coding change: c.1427G>A on transcript NM_018192.4 (MANE Select); coding-DNA position 1427, G replaced by A.
Protein change: p.Cys476Tyr; replaces cysteine 476 with tyrosine.
Molecular consequence: missense variant.
Genome position (GRCh38, 1-based): chr3:189,974,583, C>T on the plus strand (G>A on the coding strand, the complement: P3H2 is on the minus strand). VCF-style: chr3-189974583-C-T. GRCh37 (hg19) VCF-style: chr3-189692372-C-T.
Other names: c.884G>A, p.Cys295Tyr (NM_001134418.2); short protein forms C295Y, C476Y.
Identifiers: ClinVar variation 1518089 (VCV001518089.8), dbSNP rs2108910211, ClinGen allele CA355754014.
Genomic context (GRCh38, chr3:189,974,583, plus strand): 5'-GCGCAGTGAGCTCCCCTCCTTCTCCGGATCCTCACACTGGCCACGCTGTGGAGCTCCCGG[C>T]ACTGTTCTTCCGACAGGACGTTATCCAGGAGAACCCGCTGAGTCCCGTTCAGCTGCTCCG-3'
Protein context (NP_060662.2, residues 466-486): LLDNVLSEEQ[Cys476Tyr]RELHSVASGI

ClinVar aggregate classification (germline): Uncertain significance (1 of 4 stars; one submission).

Submission:

Labcorp Genetics (formerly Invitae), Labcorp
Classification: Uncertain significance. Last evaluated: 2022-03-09. Review status: criteria provided, single submitter. Criteria: Invitae Variant Classification Sherloc (09022015). Collection method: clinical testing. Allele origin: germline.
Comment: This sequence change replaces cysteine, which is neutral and slightly polar, with tyrosine, which is neutral and polar, at codon 476 of the P3H2 protein (p.Cys476Tyr). This variant is not present in population databases (gnomAD no frequency). This variant has not been reported in the literature in individuals affected with P3H2-related conditions. Algorithms developed to predict the effect of missense changes on protein structure and function (SIFT, PolyPhen-2, Align-GVGD) all suggest that this variant is likely to be disruptive. In summary, the available evidence is currently insufficient to determine the role of this variant in disease. Therefore, it has been classified as a Variant of Uncertain Significance.